The following is an entry in ClinVar:

ClinVar aggregate classification (germline): Uncertain significance (1 of 4 stars; one submission).

Submission:

GeneDx
Classification: Uncertain significance. Last evaluated: 2020-07-01. Review status: criteria provided, single submitter. Criteria: GeneDx Variant Classification Process June 2021. Collection method: clinical testing. Allele origin: germline. Affected: yes.
Comment: Has not been previously published as pathogenic or benign to our knowledge; In silico analysis supports that this missense variant does not alter protein structure/function; Not located in the triple helical region, where the majority of pathogenic missense variants occur (Symoens et al., 2012; Stenson et al., 2014); Not observed in large population cohorts (Lek et al., 2016)

NM_000093.5(COL5A1):c.4797G>C (p.Glu1599Asp)

Genes: COL5A1 (collagen type V alpha 1 chain; plus strand), LOC101448202 (uncharacterized LOC101448202; minus strand). Cytogenetic location: 9q34.3.
Variant type: single nucleotide variant.
Coding change: c.4797G>C on transcript NM_000093.5 (MANE Select); coding-DNA position 4797, G replaced by C.
Protein change: p.Glu1599Asp; replaces glutamic acid 1599 with aspartic acid.
Molecular consequence: missense variant.
Genome position (GRCh38, 1-based): chr9:134,824,698, G>C. VCF-style: chr9-134824698-G-C. GRCh37 (hg19) VCF-style: chr9-137716544-G-C.
Other names: c.4797G>C, p.Glu1599Asp (NM_001278074.1); short protein forms E1599D.
Identifiers: ClinVar variation 1316042 (VCV001316042.2), dbSNP rs2132883972, ClinGen allele CA375458466.